The following is an entry in ClinVar:

NM_000937.5(POLR2A):c.2531G>T (p.Arg844Leu)

Genes: POLR2A (RNA polymerase II subunit A; plus strand), LOC126862481 (BRD4-independent group 4 enhancer GRCh37_chr17:7405086-7406285; plus strand). Cytogenetic location: 17p13.1.
Variant type: single nucleotide variant.
Coding change: c.2531G>T on transcript NM_000937.5 (MANE Select); coding-DNA position 2531, G replaced by T.
Protein change: p.Arg844Leu; replaces arginine 844 with leucine.
Molecular consequence: missense variant.
Genome position (GRCh38, 1-based): chr17:7,502,081, G>T. VCF-style: chr17-7502081-G-T. GRCh37 (hg19) VCF-style: chr17-7405400-G-T.
Other names: short protein forms R844L.
Identifiers: ClinVar variation 4531679 (VCV004531679.1).

ClinVar aggregate classification (germline): Likely pathogenic (1 of 4 stars; one submission).

Conditions:
Neurodevelopmental disorder with hypotonia and variable intellectual and behavioral abnormalities. Identifiers: MedGen C5231423, MONDO:0032829, OMIM 618603.

Submission:

Victorian Clinical Genetics Services, Murdoch Childrens Research Institute
Classification: Likely pathogenic for Neurodevelopmental disorder with hypotonia and variable intellectual and behavioral abnormalities. Last evaluated: 2025-11-12. Review status: criteria provided, single submitter. Criteria: ACMG Guidelines, 2015. Collection method: clinical testing. Allele origin: germline. Affected: yes.
Comment: This variant is classified as Likely pathogenic. Evidence in support of pathogenic classification: Variant is absent from gnomAD (v2, v3 and v4); Missense variant predicted to be damaging by in silico tool(s) or highly conserved with a major amino acid change; Additional information: Variant is predicted to result in a missense amino acid change from Arg to Leu; This variant is heterozygous; This gene is associated with autosomal dominant disease; This variant has no previous evidence of pathogenicity; No published evidence of segregation with disease has been identified for this variant; No published functional evidence has been identified for this variant; No comparable missense variants have previous evidence for pathogenicity; Variant is located in the largest subunit (Rpb1) of eukaryotic RNA polymerase II (RNAP II), N-terminal domain and this residue is annotated as part of the RPB1-RPB2 interface (NCBI domain); Loss of function is a known mechanism of disease in this gene and is associated with neurodevelopmental disorder with hypotonia and variable intellectual and behavioral abnormalities (MIM#618603). However, due to the greater severity in phenotype of patients with some missense variants, a dominant negative mechanism has also been suggested (PMID: 31353023).

Literature cited by the submitters: PubMed 31353023.